The following is an entry in ClinVar:

ClinVar aggregate classification (germline): Uncertain significance. Review status: criteria provided, multiple submitters, no conflicts (2 of 4 stars). 2 submissions from 2 submitters: Uncertain significance (2). Last evaluated 2025-12-11.

Conditions:
Hereditary cancer-predisposing syndrome. Also called: Hereditary neoplastic syndrome; Neoplastic Syndromes, Hereditary; Tumor predisposition; Hereditary Cancer Syndrome. Identifiers: Orphanet 140162, MedGen C0027672, MeSH D009386, MONDO:0015356.
Fanconi anemia complementation group J. Also called: BRIP1-Related Fanconi Anemia. Identifiers: Orphanet 84, MedGen C1836860, MONDO:0012187, OMIM 609054.
Familial cancer of breast. Also called: BREAST CANCER, FAMILIAL; Hereditary breast cancer; hereditary breast carcinoma. Identifiers: Orphanet 227535, MedGen C0346153, MONDO:0016419, OMIM 114480. Disease mechanism: loss of function.

gnomAD v4.1: 1 of 1,614,164 alleles (0.000062%); highest among the groups gnomAD compares: Non-Finnish European, 0.000085%; no homozygotes.

Submissions (2):

Ambry Genetics
Classification: Uncertain significance for Hereditary cancer-predisposing syndrome. Last evaluated: 2025-12-11. Review status: criteria provided, single submitter. Criteria: Ambry Variant Classification Scheme 2023. Collection method: clinical testing. Allele origin: germline.
Comment: The p.K1078N variant (also known as c.3234G>T), located in coding exon 19 of the BRIP1 gene, results from a G to T substitution at nucleotide position 3234. The lysine at codon 1078 is replaced by asparagine, an amino acid with similar properties. This amino acid position is well conserved in available vertebrate species. In addition, this alteration is predicted to be tolerated by in silico analysis. Since supporting evidence is limited at this time, the clinical significance of this alteration remains unclear.

Labcorp Genetics (formerly Invitae), Labcorp
Classification: Uncertain significance for Familial cancer of breast; Fanconi anemia complementation group J. Last evaluated: 2022-05-06. Review status: criteria provided, single submitter. Criteria: Invitae Variant Classification Sherloc (09022015). Collection method: clinical testing. Allele origin: germline.
Comment: This sequence change replaces lysine, which is basic and polar, with asparagine, which is neutral and polar, at codon 1078 of the BRIP1 protein (p.Lys1078Asn). This variant is present in population databases (rs570238270, gnomAD 0.0009%). This variant has not been reported in the literature in individuals affected with BRIP1-related conditions. ClinVar contains an entry for this variant (Variation ID: 1044878). Algorithms developed to predict the effect of missense changes on protein structure and function output the following: SIFT: "Deleterious"; PolyPhen-2: "Benign"; Align-GVGD: "Class C0". The asparagine amino acid residue is found in multiple mammalian species, which suggests that this missense change does not adversely affect protein function. In summary, the available evidence is currently insufficient to determine the role of this variant in disease. Therefore, it has been classified as a Variant of Uncertain Significance.

NM_032043.3(BRIP1):c.3234G>T (p.Lys1078Asn)

Gene: BRIP1 (BRCA1 interacting DNA helicase 1; minus strand). Cytogenetic location: 17q23.2.
Variant type: single nucleotide variant.
Coding change: c.3234G>T on transcript NM_032043.3 (MANE Select); coding-DNA position 3234, G replaced by T.
Protein change: p.Lys1078Asn; replaces lysine 1078 with asparagine.
Molecular consequence: missense variant.
Genome position (GRCh38, 1-based): chr17:61,683,812, C>A on the plus strand (G>T on the coding strand, the complement: BRIP1 is on the minus strand). VCF-style: chr17-61683812-C-A. GRCh37 (hg19) VCF-style: chr17-59761173-C-A.
Other names: short protein forms K1078N.
Identifiers: ClinVar variation 1044878 (VCV001044878.13), dbSNP rs570238270, ClinGen allele CA8690383.